The following is an entry in ClinVar:

NM_144687.4(NLRP12):c.2784C>T (p.Ala928=)

Gene: NLRP12 (NLR family pyrin domain containing 12; minus strand). Cytogenetic location: 19q13.42.
Variant type: single nucleotide variant.
Coding change: c.2784C>T on transcript NM_144687.4 (MANE Select); coding-DNA position 2784, C replaced by T.
Protein change: p.Ala928=; no amino-acid change (alanine 928 retained).
Molecular consequence: synonymous variant. On other transcripts: intron variant (1).
Genome position (GRCh38, 1-based): chr19:53,798,386, G>A on the plus strand (C>T on the coding strand, the complement: NLRP12 is on the minus strand). VCF-style: chr19-53798386-G-A. GRCh37 (hg19) VCF-style: chr19-54301640-G-A.
Other names: p.Ala928=; c.2787C>T, p.Ala929= (NM_001277126.2); c.2757-2357C>T (NM_001277129.1).
Identifiers: ClinVar variation 97890 (VCV000097890.31), dbSNP rs104895569, ClinGen allele CA224937.

ClinVar aggregate classification (germline): Benign. Review status: criteria provided, multiple submitters, no conflicts (2 of 4 stars). 9 submissions from 9 submitters: Benign (8). 1 of the submissions does not count toward it. Last evaluated 2026-02-01.

Conditions:
Autoinflammatory syndrome. Identifiers: Orphanet 93665, MedGen C3890737, MONDO:0019751.
Familial cold autoinflammatory syndrome 2 (FCAS2). Identifiers: Orphanet 247868, MedGen C2673198, MONDO:0012724, OMIM 611762.

Allele frequency attached by ClinVar (database versions not stated): gnomAD 0.01141; TOPMed 0.01318; ESP Exome Variant Server 0.01461; 1000 Genomes Project 0.01518; 1000 Genomes Project 30x 0.01640.
gnomAD v4.1: 4,116 of 1,614,090 alleles (0.26%); highest among the groups gnomAD compares: African/African-American, 4.3%; 67 homozygotes.

Submissions (9):

Labcorp Genetics (formerly Invitae), Labcorp
Classification: Benign for Familial cold autoinflammatory syndrome 2. Last evaluated: 2026-02-01. Review status: criteria provided, single submitter. Criteria: Invitae Variant Classification Sherloc (09022015). Collection method: clinical testing. Allele origin: germline.

Women's Health and Genetics/Laboratory Corporation of America, LabCorp
Classification: Benign. Last evaluated: 2026-01-22. Review status: criteria provided, single submitter. Criteria: LabCorp Variant Classification Summary - May 2015. Collection method: clinical testing. Allele origin: germline.

ARUP Laboratories, Molecular Genetics and Genomics, ARUP Laboratories
Classification: Benign for Familial cold autoinflammatory syndrome 2. Last evaluated: 2023-11-06. Review status: criteria provided, single submitter. Criteria: ARUP Molecular Germline Variant Investigation Process 2024. Collection method: clinical testing. Allele origin: germline.

Fulgent Genetics
Classification: Benign for Familial cold autoinflammatory syndrome 2. Last evaluated: 2021-08-09. Review status: criteria provided, single submitter. Criteria: ACMG Guidelines, 2015. Collection method: clinical testing. Allele origin: unknown.

Mayo Clinic Laboratories, Mayo Clinic
Classification: Benign. Last evaluated: 2021-07-29. Review status: criteria provided, single submitter. Criteria: ACMG Guidelines, 2015. Collection method: clinical testing. Allele origin: germline. Observed: 6 variant alleles.
Comment: BS1, BS2, BP4, BP7

Genome Diagnostics Laboratory, The Hospital for Sick Children
Classification: Benign for Autoinflammatory syndrome. Last evaluated: 2021-06-22. Review status: criteria provided, single submitter. Criteria: ACMG Guidelines, 2015. Collection method: clinical testing. Allele origin: germline. Affected: yes.

Illumina Laboratory Services, Illumina
Classification: Benign for Familial cold autoinflammatory syndrome 2. Last evaluated: 2018-01-13. Review status: criteria provided, single submitter. Criteria: ICSL Variant Classification Criteria 13 December 2019. Collection method: clinical testing. Allele origin: germline.
Comment: This variant was observed in the ICSL laboratory as part of a predisposition screen in an ostensibly healthy population. It had not been previously curated by ICSL or reported in the Human Gene Mutation Database (HGMD: prior to June 1st, 2018), and was therefore a candidate for classification through an automated scoring system. Utilizing variant allele frequency, disease prevalence and penetrance estimates, and inheritance mode, an automated score was calculated to assess if this variant is too frequent to cause the disease. Based on the score and internal cut-off values, a variant classified as benign is not then subjected to further curation. The score for this variant resulted in a classification of benign for this disease.

Breakthrough Genomics
Classification: Benign. Review status: criteria provided, single submitter. Criteria: ACMG Guidelines, 2015. Collection method: not provided. Allele origin: germline. Inheritance: Autosomal dominant inheritance. Affected: yes.

Unité médicale des maladies autoinflammatoires, CHRU Montpellier
No classification provided. Review status: no classification provided. Collection method: not provided. Allele origin: unknown. Not counted in ClinVar's aggregate classification.